The following is an entry in ClinVar:

ClinVar aggregate classification (germline): Likely benign. Review status: criteria provided, multiple submitters, no conflicts (2 of 4 stars). 4 submissions from 4 submitters: Likely benign (4). Last evaluated 2026-01-20.

Conditions:
Hereditary cancer-predisposing syndrome. Also called: Tumor predisposition; Hereditary Cancer Syndrome; Hereditary neoplastic syndrome; Neoplastic Syndromes, Hereditary. Identifiers: Orphanet 140162, MedGen C0027672, MeSH D009386, MONDO:0015356.
Familial adenomatous polyposis 2. Also called: COLORECTAL ADENOMATOUS POLYPOSIS, AUTOSOMAL RECESSIVE; MUTYH Polyposis; MUTYH-associated polyposis; MUTYH-related attenuated familial adenomatous polyposis; Adenomas, multiple colorectal; ADENOMAS, MULTIPLE COLORECTAL, AUTOSOMAL RECESSIVE. Identifiers: Orphanet 220460, Orphanet 247798, MedGen C3272841, MONDO:0012041, OMIM 608456.

Allele frequency attached by ClinVar (database versions not stated): TOPMed 0.00001; ExAC 0.00002; gnomAD 0.00002; gnomAD exomes 0.00003 and 0.00004.
gnomAD v4.1: 58 of 1,599,548 alleles (0.0036%); highest among the groups gnomAD compares: Middle Eastern, 0.018%; no homozygotes.

Submissions (4):

Labcorp Genetics (formerly Invitae), Labcorp
Classification: Likely benign for Familial adenomatous polyposis 2. Last evaluated: 2026-01-20. Review status: criteria provided, single submitter. Criteria: Invitae Variant Classification Sherloc (09022015). Collection method: clinical testing. Allele origin: germline.

Center for Genomic Medicine, Rigshospitalet, Copenhagen University Hospital
Classification: Likely benign. Last evaluated: 2025-03-04. Review status: criteria provided, single submitter. Criteria: ACMG Guidelines, 2015. Collection method: clinical testing. Allele origin: germline.

Color Diagnostics, LLC DBA Color Health
Classification: Likely benign for Hereditary cancer-predisposing syndrome. Last evaluated: 2018-09-05. Review status: criteria provided, single submitter. Criteria: ACMG Guidelines, 2015. Collection method: clinical testing. Allele origin: germline.

GeneDx
Classification: Likely benign. Last evaluated: 2016-12-09. Review status: criteria provided, single submitter. Criteria: GeneDx Variant Classification (06012015). Collection method: clinical testing. Allele origin: germline. Affected: yes.
Comment: This variant is considered likely benign or benign based on one or more of the following criteria: it is a conservative change, it occurs at a poorly conserved position in the protein, it is predicted to be benign by multiple in silico algorithms, and/or has population frequency not consistent with disease.

NM_001048174.2(MUTYH):c.914-18G>A

Gene: MUTYH (mutY DNA glycosylase; minus strand). Cytogenetic location: 1p34.1.
Variant type: single nucleotide variant.
Coding change: c.914-18G>A on transcript NM_001048174.2 (MANE Select); 18 bases into the intron before coding-DNA position 914, G replaced by A.
Molecular consequence: intron variant.
Genome position (GRCh38, 1-based): chr1:45,331,867, C>T on the plus strand (G>A on the coding strand, the complement: MUTYH is on the minus strand). VCF-style: chr1-45331867-C-T. GRCh37 (hg19) VCF-style: chr1-45797539-C-T.
Other names: c.569-18G>A (NM_001350651.2, NM_001350650.2); c.638-18G>A (NM_001293192.2, NM_001293196.2); c.914-18G>A (NM_001048171.2, NM_001048173.2, NM_001293195.2); c.959-18G>A (NM_001293190.2); c.989-18G>A (NM_012222.3); c.998-18G>A (NM_001128425.2); c.917-18G>A (NM_001048172.2); c.947-18G>A (NM_001293191.2).
Identifiers: ClinVar variation 391715 (VCV000391715.13), dbSNP rs750710892, ClinGen allele CA059967.